The following is an entry in ClinVar:

NM_007194.4(CHEK2):c.606del (p.Phe202fs)

Gene: CHEK2 (checkpoint kinase 2; minus strand). Cytogenetic location: 22q12.1.
Variant type: Deletion.
Coding change: c.606del on transcript NM_007194.4 (MANE Select); coding-DNA position 606, one base deleted (T; older notation c.606delT).
Protein change: p.Phe202fs; shifts the reading frame from phenylalanine 202.
Molecular consequence: frameshift variant. On other transcripts: 5 prime UTR variant (2), intron variant (1).
Genome position (GRCh38, 1-based): chr22:28,719,472, A deleted on the plus strand (T on the coding strand, the reverse complement: CHEK2 is on the minus strand); the first of 6 consecutive A bases (chr22:28,719,472-28,719,477); deleting any one gives the same sequence. VCF-style (leftmost placement, unchanged base first): chr22-28719471-CA-C. GRCh37 (hg19) VCF-style: chr22-29115459-CA-C.
Other names: c.735del, p.Phe245fs (NM_001005735.3, NM_001438294.1); c.-58del (NM_001257387.3, NM_001437942.1); c.699del, p.Phe233fs (NM_001438293.1, NM_001438295.1); c.606del, p.Phe202fs (NM_145862.3); c.482+5414del (NM_001349956.3); short protein forms F202fs, F245fs, F233fs.
Identifiers: ClinVar variation 265538 (VCV000265538.16), dbSNP rs886039609, ClinGen allele CA10588723.

ClinVar aggregate classification (germline): Pathogenic/Likely pathogenic. Review status: criteria provided, multiple submitters, no conflicts (2 of 4 stars). 5 submissions from 5 submitters: Pathogenic (4); Likely pathogenic (1). Last evaluated 2023-06-26.

Conditions:
Familial cancer of breast. Also called: hereditary breast carcinoma; BREAST CANCER, FAMILIAL; Hereditary breast cancer. Identifiers: Orphanet 227535, MedGen C0346153, MONDO:0016419, OMIM 114480. Disease mechanism: loss of function.
Hereditary cancer-predisposing syndrome. Also called: Neoplastic Syndromes, Hereditary; Hereditary neoplastic syndrome; Hereditary Cancer Syndrome; Tumor predisposition. Identifiers: Orphanet 140162, MedGen C0027672, MeSH D009386, MONDO:0015356.

Submissions (5):

Myriad Genetics, Inc.
Classification: Pathogenic for Familial cancer of breast. Last evaluated: 2023-06-26. Review status: criteria provided, single submitter. Criteria: Myriad Autosomal Dominant, Autosomal Recessive and X-Linked Classification Criteria (2023). Collection method: clinical testing. Allele origin: unknown.
Comment: This variant is considered pathogenic. This variant creates a frameshift predicted to result in premature protein truncation.

Ambry Genetics
Classification: Pathogenic for Hereditary cancer-predisposing syndrome. Last evaluated: 2021-10-29. Review status: criteria provided, single submitter. Criteria: Ambry Variant Classification Scheme 2023. Collection method: clinical testing. Allele origin: germline.
Comment: The c.606delT pathogenic mutation, located in coding exon 4 of the CHEK2 gene, results from a deletion of one nucleotide at nucleotide position 606, causing a translational frameshift with a predicted alternate stop codon (p.F202Lfs*3). This variant is considered to be rare based on population cohorts in the Genome Aggregation Database (gnomAD). This alteration is expected to result in loss of function by premature protein truncation or nonsense-mediated mRNA decay. As such, this alteration is interpreted as a disease-causing mutation.

Labcorp Genetics (formerly Invitae), Labcorp
Classification: Pathogenic for Familial cancer of breast. Last evaluated: 2021-07-01. Review status: criteria provided, single submitter. Criteria: Invitae Variant Classification Sherloc (09022015). Collection method: clinical testing. Allele origin: germline.
Comment: This sequence change creates a premature translational stop signal (p.Phe202Leufs*3) in the CHEK2 gene. It is expected to result in an absent or disrupted protein product. Loss-of-function variants in CHEK2 are known to be pathogenic (PMID: 21876083, 24713400). This variant is not present in population databases (ExAC no frequency). This variant has not been reported in the literature in individuals affected with CHEK2-related conditions. ClinVar contains an entry for this variant (Variation ID: 265538). For these reasons, this variant has been classified as Pathogenic.

Color Diagnostics, LLC DBA Color Health
Classification: Pathogenic for Hereditary cancer-predisposing syndrome. Last evaluated: 2020-09-02. Review status: criteria provided, single submitter. Criteria: ACMG Guidelines, 2015. Collection method: clinical testing. Allele origin: germline.
Comment: This variant deletes 1 nucleotide in exon 5 of the CHEK2 gene, creating a frameshift and premature translation stop signal. This variant is expected to result in an absent or non-functional protein product. To our knowledge, this variant has not been reported in individuals affected with hereditary cancer in the literature. This variant has not been identified in the general population by the Genome Aggregation Database (gnomAD). Loss of CHEK2 function is a known mechanism of disease. Based on the available evidence, this variant is classified as Pathogenic.

GeneDx
Classification: Likely pathogenic. Last evaluated: 2015-12-18. Review status: criteria provided, single submitter. Criteria: GeneDx Variant Classification (06012015). Collection method: clinical testing. Allele origin: germline. Affected: yes.
Comment: This deletion of one nucleotide in CHEK2 is denoted c.606delT at the cDNA level and p.Phe202LeufsX3 (F202LfsX3) at the protein level. The normal sequence, with the base that is deleted in braces, is CTTTTT[T]GATC. The deletion causes a frameshift, which changes a Phenylalanine to a Leucine at codon 202, and creates a premature stop codon at position 3 of the new reading frame. Although this variant has not, to our knowledge, been reported in the literature, it is predicted to cause loss of normal protein function through either protein truncation or nonsense-mediated mRNA decay. Based on the currently available information, we consider this deletion to be a likely pathogenic variant.

Literature cited by the submitters: PubMed 21876083 (cited by Labcorp Genetics (formerly Invitae), Labcorp); PubMed 24713400 (cited by Labcorp Genetics (formerly Invitae), Labcorp).